The following is an entry in ClinVar:

NM_001080483.3(MYMK):c.8C>T (p.Thr3Met)

Gene: MYMK (myomaker, myoblast fusion factor; minus strand). Cytogenetic location: 9q34.2.
Variant type: single nucleotide variant.
Coding change: c.8C>T on transcript NM_001080483.3 (MANE Select); coding-DNA position 8, C replaced by T.
Protein change: p.Thr3Met; replaces threonine 3 with methionine.
Molecular consequence: missense variant.
Genome position (GRCh38, 1-based): chr9:133,524,837, G>A on the plus strand (C>T on the coding strand, the complement: MYMK is on the minus strand). VCF-style: chr9-133524837-G-A. GRCh37 (hg19) VCF-style: chr9-136389959-G-A.
Other names: c.8C>T (NM_001080483.2); short protein forms T3M.
Identifiers: ClinVar variation 2433959 (VCV002433959.5), dbSNP rs140742530, ClinGen allele CA5312379.

ClinVar aggregate classification (germline): Uncertain significance. Review status: criteria provided, single submitter (1 of 4 stars). 2 submissions from 2 submitters: Uncertain significance (1). 1 of the submissions does not count toward it. Last evaluated 2021-10-01.

Conditions:
MYMK-related disorder. Also called: MYMK-related condition.
Carey-Fineman-Ziter syndrome 1 (CFZS1). Also called: MYOPATHY, CONGENITAL NONPROGRESSIVE, WITH MOEBIUS SEQUENCE AND ROBIN SEQUENCE. Identifiers: MedGen C5676876, MONDO:0800437, OMIM 254940.

Allele frequency attached by ClinVar (database versions not stated): 1000 Genomes Project 30x 0.00016; 1000 Genomes Project 0.00020; gnomAD 0.00030; ExAC 0.00035; TOPMed 0.00037; ESP Exome Variant Server 0.00046.

Submissions (2):

Revvity Omics, Revvity
Classification: Uncertain significance for Carey-Fineman-Ziter syndrome 1. Last evaluated: 2021-10-01. Review status: criteria provided, single submitter. Criteria: ACMG Guidelines, 2015. Collection method: clinical testing. Allele origin: germline.

PreventionGenetics, part of Exact Sciences
Classification: Benign for MYMK-related condition. Last evaluated: 2019-06-11. Review status: no assertion criteria provided. Collection method: clinical testing. Allele origin: germline. Not counted in ClinVar's aggregate classification.
Comment: This variant is classified as benign based on ACMG/AMP sequence variant interpretation guidelines (Richards et al. 2015 PMID: 25741868, with internal and published modifications).